The following is an entry in ClinVar:

ClinVar aggregate classification (germline): Uncertain significance. Review status: criteria provided, multiple submitters, no conflicts (2 of 4 stars). 3 submissions from 3 submitters: Uncertain significance (2). 1 of the submissions does not count toward it. Last evaluated 2019-06-28.

Conditions:
Hereditary cancer-predisposing syndrome. Also called: Hereditary Cancer Syndrome; Neoplastic Syndromes, Hereditary; Hereditary neoplastic syndrome; Tumor predisposition. Identifiers: Orphanet 140162, MedGen C0027672, MeSH D009386, MONDO:0015356.
Hereditary breast ovarian cancer syndrome. Also called: Hereditary breast and ovarian cancer syndrome (HBOC); Breast and ovarian cancer; Hereditary breast and ovarian cancer syndrome; Hereditary breast and ovarian cancer; BRCA1- and BRCA2-Associated Hereditary Breast and Ovarian Cancer; Hereditary breast and/or ovarian cancer syndrome. Identifiers: Orphanet 145, MedGen C0677776, MeSH D061325, MONDO:0003582. Disease mechanism: loss of function.
Breast-ovarian cancer, familial, susceptibility to, 1 (BROVCA1). Also called: BRCA1 Hereditary Breast and Ovarian Cancer; OVARIAN CANCER, SUSCEPTIBILITY TO. Identifiers: Orphanet 145, MedGen C2676676, MONDO:0011450, OMIM 604370. Disease mechanism: loss of function.

Submissions (4):

Color Diagnostics, LLC DBA Color Health
Classification: Uncertain significance for Hereditary cancer-predisposing syndrome. Last evaluated: 2019-06-28. Review status: criteria provided, single submitter. Criteria: ACMG Guidelines, 2015. Collection method: clinical testing. Allele origin: germline.

Labcorp Genetics (formerly Invitae), Labcorp
Classification: Uncertain significance for Hereditary breast ovarian cancer syndrome. Last evaluated: 2019-06-28. Review status: criteria provided, single submitter. Criteria: Invitae Variant Classification Sherloc (09022015). Collection method: clinical testing. Allele origin: germline.
Comment: In summary, the available evidence is currently insufficient to determine the role of this variant in disease. Therefore, it has been classified as a Variant of Uncertain Significance. Nucleotide substitutions within the consensus splice site are a relatively common cause of aberrant splicing (PMID: 17576681, 9536098). Experimental studies have shown that this variant does not affect mRNA splicing (PMID: 30209399). This variant has not been reported in the literature in individuals with BRCA1-related conditions. ClinVar contains an entry for this variant (Variation ID: 252885). This variant is not present in population databases (ExAC no frequency). This sequence change falls in intron 19 of the BRCA1 gene. It does not directly change the encoded amino acid sequence of the BRCA1 protein, but it affects a nucleotide within the consensus splice site of the intron.

Sharing Clinical Reports Project (SCRP)
Classification: Uncertain significance for Breast-ovarian cancer, familial 1. Last evaluated: 2008-11-19. Review status: no assertion criteria provided. Collection method: clinical testing. Allele origin: germline. Not counted in ClinVar's aggregate classification.

Brotman Baty Institute, University of Washington
No classification provided (evidence only). Condition: Breast-ovarian cancer, familial 1. Review status: no classification provided. Collection method: in vitro. Allele origin: not applicable. Functional consequence: functionally_normal. Not counted in ClinVar's aggregate classification.
ClinVar note: "not provided" was previously submitted as the classification for the variant. However, the classification appeared to be based only on an observation of functional data so it was converted to no classification on 2025-07-30.

Literature cited by the submitters: PubMed 17576681 (cited by Labcorp Genetics (formerly Invitae), Labcorp); PubMed 9536098 (cited by Labcorp Genetics (formerly Invitae), Labcorp); PubMed 30209399 (cited by Labcorp Genetics (formerly Invitae), Labcorp).

NM_007294.4(BRCA1):c.5277+4A>G

Gene: BRCA1 (BRCA1 DNA repair associated; minus strand). Cytogenetic location: 17q21.31.
Variant type: single nucleotide variant.
Coding change: c.5277+4A>G on transcript NM_007294.4 (MANE Select); 4 bases into the intron after coding-DNA position 5277, A replaced by G.
Molecular consequence: intron variant.
Genome position (GRCh38, 1-based): chr17:43,057,048, T>C on the plus strand (A>G on the coding strand, the complement: BRCA1 is on the minus strand). VCF-style: chr17-43057048-T-C. GRCh37 (hg19) VCF-style: chr17-41209065-T-C.
Other names: IVS20+4A>G; c.1839+4A>G (NM_001408446.1, NM_001408448.1, NM_001408445.1 and 2 more transcripts); c.1842+4A>G (NM_001408435.1, NM_001408444.1, NM_001408438.1 and 10 more transcripts); c.5145+4A>G (NM_001407691.1, NM_001407690.1); c.5148+4A>G (NM_001407685.1, NM_001407688.1, NM_001407682.1 and 6 more transcripts); c.5151+4A>G (NM_001407940.1, NM_001407671.1, NM_001407676.1 and 10 more transcripts); c.5217+4A>G (NM_001407649.1); c.1962+4A>G (NM_001408401.1, NM_001408396.1, NM_001408404.1 and 8 more transcripts); and 73 more.
Identifiers: ClinVar variation 252885 (VCV000252885.18), dbSNP rs397509251, ClinGen allele CA10586113.
Genomic context (GRCh38, chr17:43,057,048, plus strand): 5'-AAAGGGGAGTGGAATACAGAGTGGTGGGGTGAGATTTTTGTCAACTTGAGGGAGGGAGCT[T>C]TACCTTTCTGTCCTGGGATTCTCTTGCTCGCTTTGGACCTTGGTGGTTTCTTCCATTGAC-3'